The following is an entry in ClinVar:

ClinVar aggregate classification (germline): Uncertain significance (1 of 4 stars; one submission).

Conditions:
Hyperkalemic periodic paralysis. Also called: Familial hyperkalemic periodic paralysis; Gamstorp disease. Identifiers: Orphanet 682, MedGen C0238357, MONDO:0008224, OMIM 170500, HP:0007215.

Submission:

Labcorp Genetics (formerly Invitae), Labcorp
Classification: Uncertain significance for Hyperkalemic periodic paralysis. Last evaluated: 2022-07-11. Review status: criteria provided, single submitter. Criteria: Invitae Variant Classification Sherloc (09022015). Collection method: clinical testing. Allele origin: germline.
Comment: In summary, the available evidence is currently insufficient to determine the role of this variant in disease. Therefore, it has been classified as a Variant of Uncertain Significance. Algorithms developed to predict the effect of missense changes on protein structure and function (SIFT, PolyPhen-2, Align-GVGD) all suggest that this variant is likely to be disruptive. ClinVar contains an entry for this variant (Variation ID: 1406557). This variant has not been reported in the literature in individuals affected with SCN4A-related conditions. This variant is not present in population databases (gnomAD no frequency). This sequence change replaces threonine, which is neutral and polar, with alanine, which is neutral and non-polar, at codon 229 of the SCN4A protein (p.Thr229Ala).

NM_000334.4(SCN4A):c.685A>G (p.Thr229Ala)

Gene: SCN4A (sodium voltage-gated channel alpha subunit 4; minus strand). Cytogenetic location: 17q23.3.
Variant type: single nucleotide variant.
Coding change: c.685A>G on transcript NM_000334.4 (MANE Select); coding-DNA position 685, A replaced by G.
Protein change: p.Thr229Ala; replaces threonine 229 with alanine.
Molecular consequence: missense variant.
Genome position (GRCh38, 1-based): chr17:63,971,180, T>C on the plus strand (A>G on the coding strand, the complement: SCN4A is on the minus strand). VCF-style: chr17-63971180-T-C. GRCh37 (hg19) VCF-style: chr17-62048540-T-C.
Other names: short protein forms T229A.
Identifiers: ClinVar variation 1406557 (VCV001406557.6), dbSNP rs2144813124, ClinGen allele CA400638231.
Genomic context (GRCh38, chr17:63,971,180, plus strand): 5'-GTCTCTCAGCTCAGGCAGAGGGTCCCTGCACCTCCCCAGTACCTGGGATGACCGTGATGG[T>C]TTTGAGGGCCCGCAGCACCCGGAAGGTCCTCAGGGCTGAGATGTTGCCCAAGTCCACAAA-3'
Protein context (NP_000325.4, residues 219-239): RTFRVLRALK[Thr229Ala]ITVIPGLKTI